The following is an entry in ClinVar:

NM_003597.5(KLF11):c.1450G>A (p.Gly484Ser)

Gene: KLF11 (KLF transcription factor 11; plus strand). Cytogenetic location: 2p25.1.
Variant type: single nucleotide variant.
Coding change: c.1450G>A on transcript NM_003597.5 (MANE Select); coding-DNA position 1450, G replaced by A.
Protein change: p.Gly484Ser; replaces glycine 484 with serine.
Molecular consequence: missense variant.
Genome position (GRCh38, 1-based): chr2:10,052,418, G>A. VCF-style: chr2-10052418-G-A. GRCh37 (hg19) VCF-style: chr2-10192545-G-A.
Other names: c.1399G>A, p.Gly467Ser (NM_001177716.2, NM_001177718.2); short protein forms G467S, G484S.
Identifiers: ClinVar variation 892939 (VCV000892939.4), dbSNP rs750063435, ClinGen allele CA1525791.

ClinVar aggregate classification (germline): Benign (1 of 4 stars; one submission).

Conditions:
Maturity-onset diabetes of the young type 7 (MODY7). Identifiers: Orphanet 552, MedGen C1864839, MONDO:0012513, OMIM 610508.

Allele frequency attached by ClinVar (database versions not stated): gnomAD exomes 0.00002 and 0.00006; ExAC 0.00006; TOPMed 0.00008.

Submission:

Illumina Laboratory Services, Illumina
Classification: Benign for Maturity-onset diabetes of the young type 7. Last evaluated: 2018-04-20. Review status: criteria provided, single submitter. Criteria: ICSL Variant Classification Criteria 13 December 2019. Collection method: clinical testing. Allele origin: germline.
Comment: This variant was observed in the ICSL laboratory as part of a predisposition screen in an ostensibly healthy population. It had not been previously curated by ICSL or reported in the Human Gene Mutation Database (HGMD: prior to June 1st, 2018), and was therefore a candidate for classification through an automated scoring system. Utilizing variant allele frequency, disease prevalence and penetrance estimates, and inheritance mode, an automated score was calculated to assess if this variant is too frequent to cause the disease. Based on the score and internal cut-off values, a variant classified as benign is not then subjected to further curation. The score for this variant resulted in a classification of benign for this disease.